The following is an entry in ClinVar:

ClinVar aggregate classification (germline): Uncertain significance (1 of 4 stars; one submission).

Conditions:
Developmental and epileptic encephalopathy, 53. Also called: Epileptic encephalopathy, early infantile, 53. Identifiers: MedGen C4479313, MONDO:0033362, OMIM 617389.
Early-onset Parkinson disease 20. Also called: PARKINSON DISEASE 20, AUTOSOMAL RECESSIVE EARLY-ONSET. Identifiers: Orphanet 391411, MedGen C3809824, MONDO:0014233, OMIM 615530.

Submission:

Labcorp Genetics (formerly Invitae), Labcorp
Classification: Uncertain significance for Developmental and epileptic encephalopathy, 53; Early-onset Parkinson disease 20. Last evaluated: 2024-04-11. Review status: criteria provided, single submitter. Criteria: Invitae Variant Classification Sherloc (09022015). Collection method: clinical testing. Allele origin: germline.
Comment: This sequence change replaces alanine, which is neutral and non-polar, with glycine, which is neutral and non-polar, at codon 6 of the SYNJ1 protein (p.Ala6Gly). This variant is not present in population databases (gnomAD no frequency). This variant has not been reported in the literature in individuals affected with SYNJ1-related conditions. ClinVar contains an entry for this variant (Variation ID: 2016155). An algorithm developed to predict the effect of missense changes on protein structure and function (PolyPhen-2) suggests that this variant is likely to be tolerated. In summary, the available evidence is currently insufficient to determine the role of this variant in disease. Therefore, it has been classified as a Variant of Uncertain Significance.

NC_000021.9:g.32728024G>C

Gene: SYNJ1 (synaptojanin 1; minus strand). Cytogenetic location: 21q22.11.
Variant type: single nucleotide variant.
Molecular consequence: missense variant (on NM_003895.4).
Genome position: GRCh38 VCF-style: chr21-32728024-G-C. GRCh37 (hg19) VCF-style: chr21-34100335-G-C.
Other names: c.17C>G, p.Ala6Gly (NM_003895.4); short protein forms A6G.
Identifiers: ClinVar variation 2016155 (VCV002016155.3), dbSNP rs1214781194, ClinGen allele CA410078910.
Genomic context (GRCh38, chr21:32,728,024, plus strand): 5'-CTCCTCCTTCTCCCGCAGCCGCCGCCACAGCCGCCGGGAGCGTCACTTCCGCTCCAGCAG[G>C]CCCATCTCTTCCGCATTGCGCCGCGGCCGGGGGCGGAAGATCCGCCCCGCGCGAGGGAAG-3'